The following is an entry in ClinVar:

ClinVar aggregate classification (germline): Likely benign. Review status: criteria provided, single submitter (1 of 4 stars). 2 submissions from 2 submitters: Likely benign (1). 1 of the submissions does not count toward it. Last evaluated 2025-03-05.

Conditions:
FLNB-related disorder. Also called: FLNB-related condition; FLNB-related disorders. Identifiers: MedGen CN381095.

Allele frequency attached by ClinVar (database versions not stated): TOPMed below 0.00001; gnomAD 0.00001; gnomAD exomes 0.00001.
gnomAD v4.1: 5 of 1,612,298 alleles (0.00031%); highest among the groups gnomAD compares: Non-Finnish European, 0.00042%; no homozygotes.

Submissions (2):

Labcorp Genetics (formerly Invitae), Labcorp
Classification: Likely benign. Last evaluated: 2025-03-05. Review status: criteria provided, single submitter. Criteria: Invitae Variant Classification Sherloc (09022015). Collection method: clinical testing. Allele origin: germline.

PreventionGenetics, part of Exact Sciences
Classification: Likely benign for FLNB-related condition. Last evaluated: 2023-09-06. Review status: no assertion criteria provided. Collection method: clinical testing. Allele origin: germline. Not counted in ClinVar's aggregate classification.
Comment: This variant is classified as likely benign based on ACMG/AMP sequence variant interpretation guidelines (Richards et al. 2015 PMID: 25741868, with internal and published modifications).

NM_001457.4(FLNB):c.4365G>A (p.Leu1455=)

Gene: FLNB (filamin B; plus strand). Cytogenetic location: 3p14.3.
Variant type: single nucleotide variant.
Coding change: c.4365G>A on transcript NM_001457.4 (MANE Select); coding-DNA position 4365, G replaced by A.
Protein change: p.Leu1455=; no amino-acid change (leucine 1455 retained).
Molecular consequence: synonymous variant.
Genome position (GRCh38, 1-based): chr3:58,130,883, G>A. VCF-style: chr3-58130883-G-A. GRCh37 (hg19) VCF-style: chr3-58116610-G-A.
Other names: c.4365G>A, p.Leu1455= (NM_001164317.2, NM_001164318.2, NM_001164319.2).
Identifiers: ClinVar variation 3032196 (VCV003032196.3), dbSNP rs1426110716, ClinGen allele CA434040005.